The following is an entry in ClinVar:

NM_015450.3(POT1):c.863T>G (p.Leu288Arg)

Gene: POT1 (protection of telomeres 1; minus strand). Cytogenetic location: 7q31.33.
Variant type: single nucleotide variant.
Coding change: c.863T>G on transcript NM_015450.3 (MANE Select); coding-DNA position 863, T replaced by G.
Protein change: p.Leu288Arg; replaces leucine 288 with arginine.
Molecular consequence: missense variant. On other transcripts: non-coding transcript variant (3).
Genome position (GRCh38, 1-based): chr7:124,852,978, A>C on the plus strand (T>G on the coding strand, the complement: POT1 is on the minus strand). VCF-style: chr7-124852978-A-C. GRCh37 (hg19) VCF-style: chr7-124493032-A-C.
Other names: c.470T>G, p.Leu157Arg (NM_001042594.2); short protein forms L157R, L288R.
Identifiers: ClinVar variation 2760119 (VCV002760119.3), dbSNP rs2485441250, ClinGen allele CA369055176.

ClinVar aggregate classification (germline): Uncertain significance (1 of 4 stars; one submission).

Conditions:
Tumor predisposition syndrome 3 (TPDS3). Also called: Glioma susceptibility 9; Melanoma, cutaneous malignant, susceptibility to, 10; LONG TELOMERE SYNDROME, POT1-RELATED; POT1 Tumor Predisposition. Identifiers: Orphanet 618, MedGen C4014476, MONDO:0014368, OMIM 615848.

Submission:

Labcorp Genetics (formerly Invitae), Labcorp
Classification: Uncertain significance for Tumor predisposition syndrome 3. Last evaluated: 2024-01-24. Review status: criteria provided, single submitter. Criteria: Invitae Variant Classification Sherloc (09022015). Collection method: clinical testing. Allele origin: germline.
Comment: This sequence change replaces leucine, which is neutral and non-polar, with arginine, which is basic and polar, at codon 288 of the POT1 protein (p.Leu288Arg). This variant is not present in population databases (gnomAD no frequency). This variant has not been reported in the literature in individuals affected with POT1-related conditions. Advanced modeling of protein sequence and biophysical properties (such as structural, functional, and spatial information, amino acid conservation, physicochemical variation, residue mobility, and thermodynamic stability) performed at Invitae indicates that this missense variant is not expected to disrupt POT1 protein function with a negative predictive value of 80%. In summary, the available evidence is currently insufficient to determine the role of this variant in disease. Therefore, it has been classified as a Variant of Uncertain Significance.